The following is an entry in ClinVar:

NM_000051.4(ATM):c.1112C>T (p.Thr371Ile)

Gene: ATM (ATM serine/threonine kinase; plus strand). Cytogenetic location: 11q22.3.
Variant type: single nucleotide variant.
Coding change: c.1112C>T on transcript NM_000051.4 (MANE Select); coding-DNA position 1112, C replaced by T.
Protein change: p.Thr371Ile; replaces threonine 371 with isoleucine.
Molecular consequence: missense variant.
Genome position (GRCh38, 1-based): chr11:108,248,979, C>T. VCF-style: chr11-108248979-C-T. GRCh37 (hg19) VCF-style: chr11-108119706-C-T.
Other names: c.1112C>T, p.Thr371Ile (NM_001351834.2); short protein forms T371I.
Identifiers: ClinVar variation 246498 (VCV000246498.27), dbSNP rs879254289, ClinGen allele CA10584322.
Genomic context (GRCh38, chr11:108,248,979, plus strand): 5'-TTTTTATTTTACAGGTTTTTAATGAAGATACCAGATCCTTGGAGATTTCTCAATCTTACA[C>T]TACTACACAAAGAGAATCTAGTGATTACAGTGTCCCTTGCAAAAGGAAGAAAATAGAACT-3'
Protein context (NP_000042.3, residues 361-381): TRSLEISQSY[Thr371Ile]TTQRESSDYS

ClinVar aggregate classification (germline): Conflicting classifications of pathogenicity. Review status: criteria provided, conflicting classifications (1 of 4 stars). 9 submissions from 9 submitters: Uncertain significance (7); Likely benign (1). 1 of the submissions does not count toward it. Last evaluated 2026-02-03.

Conditions:
Familial cancer of breast. Also called: Hereditary breast cancer; hereditary breast carcinoma; BREAST CANCER, FAMILIAL. Identifiers: Orphanet 227535, MedGen C0346153, MONDO:0016419, OMIM 114480. Disease mechanism: loss of function.
Ataxia-telangiectasia syndrome (AT). Also called: AT, COMPLEMENTATION GROUP C; Ataxia-telangiectasia, complementation group E; Ataxia telangiectasia (A-T); LOUIS-BAR SYNDROME; Ataxia-telangiectasia, complementation group D; Cerebello-oculocutaneous telangiectasia. Identifiers: Orphanet 100, MedGen C0004135, MONDO:0008840, OMIM 208900.
Hereditary cancer-predisposing syndrome. Also called: Hereditary Cancer Syndrome; Tumor predisposition; Hereditary neoplastic syndrome; Neoplastic Syndromes, Hereditary. Identifiers: Orphanet 140162, MedGen C0027672, MeSH D009386, MONDO:0015356.

Allele frequency attached by ClinVar (database versions not stated): gnomAD exomes below 0.00001; gnomAD 0.00001; TOPMed 0.00002.
gnomAD v4.1: 11 of 1,612,228 alleles (0.00068%); highest among the groups gnomAD compares: East Asian, 0.0022%; no homozygotes.

Submissions (9):

Labcorp Genetics (formerly Invitae), Labcorp
Classification: Uncertain significance for Ataxia-telangiectasia syndrome. Last evaluated: 2026-02-03. Review status: criteria provided, single submitter. Criteria: Invitae Variant Classification Sherloc (09022015). Collection method: clinical testing. Allele origin: germline.
Comment: This sequence change replaces threonine, which is neutral and polar, with isoleucine, which is neutral and non-polar, at codon 371 of the ATM protein (p.Thr371Ile). This variant is present in population databases (no rsID available, gnomAD 0.005%). This missense change has been observed in individual(s) with breast cancer (PMID: 34326862). ClinVar contains an entry for this variant (Variation ID: 246498). Invitae Evidence Modeling of protein sequence and biophysical properties (such as structural, functional, and spatial information, amino acid conservation, physicochemical variation, residue mobility, and thermodynamic stability) indicates that this missense variant is not expected to disrupt ATM protein function with a negative predictive value of 95%. In summary, the available evidence is currently insufficient to determine the role of this variant in disease. Therefore, it has been classified as a Variant of Uncertain Significance.

Color Diagnostics, LLC DBA Color Health
Classification: Uncertain significance for Hereditary cancer-predisposing syndrome. Last evaluated: 2025-01-07. Review status: criteria provided, single submitter. Criteria: ACMG Guidelines, 2015. Collection method: clinical testing. Allele origin: germline.
Comment: This missense variant replaces threonine with isoleucine at codon 371 of the ATM protein. Computational prediction suggests that this variant may not impact protein structure and function. To our knowledge, functional studies have not been reported for this variant. This variant has not been reported in individuals affected with hereditary cancer in the literature. This variant has been identified in 2/282578 chromosomes in the general population by the Genome Aggregation Database (gnomAD). The available evidence is insufficient to determine the role of this variant in disease conclusively. Therefore, this variant is classified as a Variant of Uncertain Significance.

Blueprint Genetics
Classification: Uncertain significance. Last evaluated: 2024-07-17. Review status: criteria provided, single submitter. Criteria: ACMG Guidelines, 2015. Collection method: clinical testing. Allele origin: germline.

Ambry Genetics
Classification: Likely benign for Hereditary cancer-predisposing syndrome. Last evaluated: 2024-05-08. Review status: criteria provided, single submitter. Criteria: Ambry Variant Classification Scheme 2023. Collection method: clinical testing. Allele origin: germline.

Fulgent Genetics
Classification: Uncertain significance for Familial cancer of breast; Ataxia-telangiectasia syndrome. Last evaluated: 2024-01-03. Review status: criteria provided, single submitter. Criteria: ACMG Guidelines, 2015. Collection method: clinical testing. Allele origin: germline.

GeneDx
Classification: Uncertain significance. Last evaluated: 2023-01-09. Review status: criteria provided, single submitter. Criteria: GeneDx Variant Classification Process June 2021. Collection method: clinical testing. Allele origin: germline. Affected: yes.
Comment: Not observed at significant frequency in large population cohorts (gnomAD); In silico analysis supports that this missense variant does not alter protein structure/function; Has not been previously published as pathogenic or benign to our knowledge; This variant is associated with the following publications: (PMID: 29338072)

Institute for Clinical Genetics, University Hospital TU Dresden, University Hospital TU Dresden
Classification: Uncertain significance. Last evaluated: 2021-11-03. Review status: criteria provided, single submitter. Criteria: ACMG Guidelines, 2015. Collection method: clinical testing. Allele origin: germline.

Sema4
Classification: Uncertain significance for Hereditary cancer-predisposing syndrome. Last evaluated: 2021-06-13. Review status: criteria provided, single submitter. Criteria: Sema4 Curation Guidelines. Collection method: curation. Allele origin: germline.
Comment: To the best of our knowledge, the ATM c.1112C>T (p.T371I) variant has not been reported in individuals with ATM-related disease. It was observed in 1/19934 chromosomes of the East Asian subpopulation in the large and broad cohorts of the Genome Aggregation Database (PMID: 32461654). The variant has been reported in ClinVar (Variation ID 246498). In silico tools suggest the impact of the variant on protein function is benign though these predictions have not been confirmed by functional studies. The evidence is insufficient to meet ACMG/AMP criteria for classifying the variant as benign or pathogenic. Thus, the clinical significance of this variant is currently uncertain.

Natera, Inc.
Classification: Uncertain significance for Ataxia-telangiectasia. Last evaluated: 2020-09-16. Review status: no assertion criteria provided. Collection method: clinical testing. Allele origin: germline. Not counted in ClinVar's aggregate classification.

Literature cited by the submitters: PubMed 34326862 (cited by Labcorp Genetics (formerly Invitae), Labcorp).